The following is an entry in ClinVar:

NM_001164665.2(KIAA1549):c.1001A>C (p.Glu334Ala)

Gene: KIAA1549 (KIAA1549; minus strand). Cytogenetic location: 7q34.
Variant type: single nucleotide variant.
Coding change: c.1001A>C on transcript NM_001164665.2 (MANE Select); coding-DNA position 1001, A replaced by C.
Protein change: p.Glu334Ala; replaces glutamic acid 334 with alanine.
Molecular consequence: missense variant.
Genome position (GRCh38, 1-based): chr7:138,918,625, T>G on the plus strand (A>C on the coding strand, the complement: KIAA1549 is on the minus strand). VCF-style: chr7-138918625-T-G. GRCh37 (hg19) VCF-style: chr7-138603371-T-G.
Other names: c.1001A>C, p.Glu334Ala (NM_020910.3); short protein forms E334A.
Identifiers: ClinVar variation 1027124 (VCV001027124.8), dbSNP rs1812430091, ClinGen allele CA369400418.

ClinVar aggregate classification (germline): Uncertain significance (1 of 4 stars; one submission).

Submission:

Labcorp Genetics (formerly Invitae), Labcorp
Classification: Uncertain significance. Last evaluated: 2020-08-15. Review status: criteria provided, single submitter. Criteria: Invitae Variant Classification Sherloc (09022015). Collection method: clinical testing. Allele origin: germline.
Comment: This variant has not been reported in the literature in individuals with KIAA1549-related conditions. Algorithms developed to predict the effect of missense changes on protein structure and function output the following: SIFT: "Deleterious"; PolyPhen-2: "Benign"; Align-GVGD: "Class C0". The alanine amino acid residue is found in multiple mammalian species, suggesting that this missense change does not adversely affect protein function. These predictions have not been confirmed by published functional studies and their clinical significance is uncertain. This variant is not present in population databases (ExAC no frequency). This sequence change replaces glutamic acid with alanine at codon 334 of the KIAA1549 protein (p.Glu334Ala). The glutamic acid residue is weakly conserved and there is a moderate physicochemical difference between glutamic acid and alanine. In summary, the available evidence is currently insufficient to determine the role of this variant in disease. Therefore, it has been classified as a Variant of Uncertain Significance.